The following is an entry in ClinVar:

ClinVar aggregate classification (germline): Likely benign. Review status: criteria provided, multiple submitters, no conflicts (2 of 4 stars). 2 submissions from 2 submitters: Likely benign (2). Last evaluated 2024-10-02.

Conditions:
Familial thoracic aortic aneurysm and aortic dissection (TAAD). Also called: Thoracic aortic aneurysms and dissections. Identifiers: Orphanet 91387, MedGen C4707243, MONDO:0019625.
Aortic aneurysm, familial thoracic 4 (AAT4). Also called: AORTIC ANEURYSM/AORTIC DISSECTION AND PATENT DUCTUS ARTERIOSUS. Identifiers: MedGen C1851504, MONDO:0007568, OMIM 132900.

Allele frequency attached by ClinVar (database versions not stated): gnomAD exomes below 0.00001; ExAC 0.00001.

Submissions (2):

Labcorp Genetics (formerly Invitae), Labcorp
Classification: Likely benign for Aortic aneurysm, familial thoracic 4. Last evaluated: 2024-10-02. Review status: criteria provided, single submitter. Criteria: Invitae Variant Classification Sherloc (09022015). Collection method: clinical testing. Allele origin: germline.

All of Us Research Program, National Institutes of Health
Classification: Likely benign for Familial thoracic aortic aneurysm and aortic dissection. Last evaluated: 2023-05-16. Review status: criteria provided, single submitter. Criteria: ACMG Guidelines, 2015. Collection method: clinical testing. Allele origin: germline. Inheritance: Autosomal dominant inheritance. Observed: 1 variant allele, 1 heterozygote.
Comment: This study involves interpretation of variants in research participants for the purpose of population health screening. Participant phenotype was not available at the time of variant classification. Additional details can be found in publication PMID: 35346344, PMCID: PMC8962531

NM_002474.3(MYH11):c.531-9G>A

Gene: MYH11 (myosin heavy chain 11; minus strand). Cytogenetic location: 16p13.11.
Variant type: single nucleotide variant.
Coding change: c.531-9G>A on transcript NM_002474.3 (MANE Select); 9 bases into the intron before coding-DNA position 531, G replaced by A.
Molecular consequence: intron variant.
Genome position (GRCh38, 1-based): chr16:15,786,741, C>T on the plus strand (G>A on the coding strand, the complement: MYH11 is on the minus strand). VCF-style: chr16-15786741-C-T. GRCh37 (hg19) VCF-style: chr16-15880598-C-T.
Other names: c.531-9G>A (NM_022844.3, NM_001040114.2, NM_001040113.2).
Identifiers: ClinVar variation 1151835 (VCV001151835.10), dbSNP rs758048924, ClinGen allele CA7922937.
Genomic context (GRCh38, chr16:15,786,741, plus strand): 5'-GTACTGAATGACCTTCTTGGTGTTTTCGGTTTTCCCGGCTCCAGACTCGCCTCTGAAAGA[C>T]ACGGGAACATCATCTATGCACACGTTCCATGGTGACCTTTCCGCAGTTCCATGAGCCAGG-3'